The following is an entry in ClinVar:

NM_020223.4(FAM20C):c.869C>T (p.Thr290Met)

Gene: FAM20C (FAM20C golgi associated secretory pathway kinase; plus strand). Cytogenetic location: 7p22.3.
Variant type: single nucleotide variant.
Coding change: c.869C>T on transcript NM_020223.4 (MANE Select); coding-DNA position 869, C replaced by T.
Protein change: p.Thr290Met; replaces threonine 290 with methionine.
Molecular consequence: missense variant.
Genome position (GRCh38, 1-based): chr7:246,420, C>T. VCF-style: chr7-246420-C-T. GRCh37 (hg19) VCF-style: chr7-286386-C-T.
Other names: short protein forms T290M.
Identifiers: ClinVar variation 1397947 (VCV001397947.6), dbSNP rs1330514508, ClinGen allele CA366522306.
Genomic context (GRCh38, chr7:246,420, plus strand): 5'-CCCCTGGAGGCTTTCTCAGTGACAAACCGTTTCTGTTTCTGTCTTGTTTTCTCAGACAAA[C>T]GAGGGAGCAGGAGACACCCCCTGACTTTTTTTATTTCTCTGACTACGAGAGGCACAATGC-3'
Protein context (NP_064608.2, residues 280-300): GQALFKPMKQ[Thr290Met]REQETPPDFF

ClinVar aggregate classification (germline): Uncertain significance (1 of 4 stars; one submission).

Allele frequency attached by ClinVar (database versions not stated): TOPMed 0.00002; gnomAD 0.00003.
gnomAD v4.1: 22 of 1,403,518 alleles (0.0016%); highest among the groups gnomAD compares: Middle Eastern, 0.018%; no homozygotes.

Submission:

Labcorp Genetics (formerly Invitae), Labcorp
Classification: Uncertain significance. Last evaluated: 2025-09-15. Review status: criteria provided, single submitter. Criteria: Invitae Variant Classification Sherloc (09022015). Collection method: clinical testing. Allele origin: germline.
Comment: This sequence change replaces threonine, which is neutral and polar, with methionine, which is neutral and non-polar, at codon 290 of the FAM20C protein (p.Thr290Met). This variant is present in population databases (no rsID available, gnomAD 0.003%). This variant has not been reported in the literature in individuals affected with FAM20C-related conditions. ClinVar contains an entry for this variant (Variation ID: 1397947). Invitae Evidence Modeling of protein sequence and biophysical properties (such as structural, functional, and spatial information, amino acid conservation, physicochemical variation, residue mobility, and thermodynamic stability) indicates that this missense variant is not expected to disrupt FAM20C protein function with a negative predictive value of 80%. In summary, the available evidence is currently insufficient to determine the role of this variant in disease. Therefore, it has been classified as a Variant of Uncertain Significance.